The following is an entry in ClinVar:

ClinVar aggregate classification (germline): Uncertain significance (1 of 4 stars; one submission).

Conditions:
Myopathy, proximal, and ophthalmoplegia (CMYO6). Also called: INCLUSION BODY MYOPATHY 3, AUTOSOMAL DOMINANT; CONGENITAL MYOPATHY 6 WITH OPHTHALMOPLEGIA; MYOPATHY WITH CONGENITAL JOINT CONTRACTURES, OPHTHALMOPLEGIA, AND RIMMED VACUOLES. Identifiers: Orphanet 363677, Orphanet 79091, MedGen C1854106, MONDO:0011577, OMIM 605637.

Submission:

Labcorp Genetics (formerly Invitae), Labcorp
Classification: Uncertain significance for Myopathy, proximal, and ophthalmoplegia. Last evaluated: 2026-01-22. Review status: criteria provided, single submitter. Criteria: Invitae Variant Classification Sherloc (09022015). Collection method: clinical testing. Allele origin: germline.
Comment: This sequence change replaces histidine, which is basic and polar, with arginine, which is basic and polar, at codon 759 of the MYH2 protein (p.His759Arg). This variant is not present in population databases (gnomAD no frequency). This variant has not been reported in the literature in individuals affected with MYH2-related conditions. Invitae Evidence Modeling of protein sequence and biophysical properties (such as structural, functional, and spatial information, amino acid conservation, physicochemical variation, residue mobility, and thermodynamic stability) indicates that this missense variant is not expected to disrupt MYH2 protein function with a negative predictive value of 80%. In summary, the available evidence is currently insufficient to determine the role of this variant in disease. Therefore, it has been classified as a Variant of Uncertain Significance.

NM_017534.6(MYH2):c.2276A>G (p.His759Arg)

Genes: MYH2 (myosin heavy chain 2; minus strand), MYHAS (myosin heavy chain gene cluster antisense RNA; plus strand). Cytogenetic location: 17p13.1.
Variant type: single nucleotide variant.
Coding change: c.2276A>G on transcript NM_017534.6 (MANE Select); coding-DNA position 2276, A replaced by G.
Protein change: p.His759Arg; replaces histidine 759 with arginine.
Molecular consequence: missense variant.
Genome position (GRCh38, 1-based): chr17:10,533,537, T>C on the plus strand (A>G on the coding strand, the complement: MYH2 is on the minus strand). VCF-style: chr17-10533537-T-C. GRCh37 (hg19) VCF-style: chr17-10436854-T-C.
Other names: c.2276A>G, p.His759Arg (NM_001100112.2); short protein forms H759R.
Identifiers: ClinVar variation 4745185 (VCV004745185.1).